The following is an entry in ClinVar:

ClinVar aggregate classification (germline): Uncertain significance (1 of 4 stars; one submission).

Conditions:
Hyperammonemia, type III (NAGSD). Also called: Hyperammonemia due to N-acetylglutamate synthase deficiency. Identifiers: Orphanet 927, MedGen C0268543, MONDO:0009377, OMIM 237310.

Allele frequency attached by ClinVar (database versions not stated): ExAC 0.00001; gnomAD 0.00001; TOPMed 0.00002.
gnomAD v4.1: 2 of 1,612,774 alleles (0.00012%); highest among the groups gnomAD compares: Non-Finnish European, 0.000085%; no homozygotes.

Submission:

Labcorp Genetics (formerly Invitae), Labcorp
Classification: Uncertain significance for Hyperammonemia, type III. Last evaluated: 2022-06-20. Review status: criteria provided, single submitter. Criteria: Invitae Variant Classification Sherloc (09022015). Collection method: clinical testing. Allele origin: germline.
Comment: In summary, the available evidence is currently insufficient to determine the role of this variant in disease. Therefore, it has been classified as a Variant of Uncertain Significance. Algorithms developed to predict the effect of sequence changes on RNA splicing suggest that this variant may create or strengthen a splice site. Algorithms developed to predict the effect of missense changes on protein structure and function (SIFT, PolyPhen-2, Align-GVGD) all suggest that this variant is likely to be disruptive. This variant has not been reported in the literature in individuals affected with NAGS-related conditions. This variant is not present in population databases (gnomAD no frequency). This sequence change replaces glycine, which is neutral and non-polar, with arginine, which is basic and polar, at codon 262 of the NAGS protein (p.Gly262Arg).

NM_153006.3(NAGS):c.784G>A (p.Gly262Arg)

Gene: NAGS (N-acetylglutamate synthase; plus strand). Cytogenetic location: 17q21.31.
Variant type: single nucleotide variant.
Coding change: c.784G>A on transcript NM_153006.3 (MANE Select); coding-DNA position 784, G replaced by A.
Protein change: p.Gly262Arg; replaces glycine 262 with arginine.
Molecular consequence: missense variant.
Genome position (GRCh38, 1-based): chr17:44,006,106, G>A. VCF-style: chr17-44006106-G-A. GRCh37 (hg19) VCF-style: chr17-42083474-G-A.
Other names: short protein forms G262R.
Identifiers: ClinVar variation 1523218 (VCV001523218.7), dbSNP rs769924999, ClinGen allele CA8595222.